The following is an entry in ClinVar:

ClinVar aggregate classification (germline): Pathogenic (1 of 4 stars; one submission).

Conditions:
Multiple mitochondrial dysfunctions syndrome 6. Identifiers: Orphanet 569290, MedGen C4693741, MONDO:0054785, OMIM 617954.

Submission:

Neurogenetics, Cyprus Institute of Neurology and Genetics
Classification: Pathogenic for Multiple mitochondrial dysfunctions syndrome 6. Last evaluated: 2026-04-22. Review status: criteria provided, single submitter. Criteria: ACMG Guidelines, 2015. Collection method: clinical testing. Allele origin: inherited. Inheritance: Autosomal recessive inheritance. Affected: yes. Observed: 2 variant alleles, 2 compound heterozygotes. Clinical features observed: Movement abnormality of the tongue (HP:0000182), Intellectual disability (HP:0001249), Ataxia (HP:0001251), Dysarthria (HP:0001260), Gait ataxia (HP:0002066), Truncal ataxia (HP:0002078), Broad-based gait (HP:0002136), Scanning speech (HP:0002168), Babinski sign (HP:0003487), Lower limb dysmetria (HP:0020035), Delayed ability to walk (HP:0031936).
Comment: The frameshift variant c.27del (p.Leu10Cysfs*17) was classified as Pathogenic under the ACMG/AMP 2015 guidelines. This variant is absent from population databases (PM2). It was identified in trans with a missense variant (c.1268A>G; p.Tyr429Cys) in two affected siblings from a non-consanguineous Cypriot family with early-onset ataxia. The affected siblings inherited both variants, whereas the three unaffected family members carried only one. Long-read phasing also assigned each variant to a different haplotype, demonstrating that each variant resides on a different haplotype (PM3). The clinical presentation is highly consistent with the known spectrum of PMPCB-related disease (PP4), and both variants co-segregate within the family (PP1 supporting). The c.27del variant introduces a premature stop codon early in the coding sequence, resulting in a predicted loss-of-function through nonsense-mediated mRNA decay (PVS1).

NM_004279.3(PMPCB):c.27del (p.Leu10fs)

Genes: PMPCB (peptidase, mitochondrial processing subunit beta; plus strand), LOC129999056 (ATAC-STARR-seq lymphoblastoid active region 26441; plus strand). Cytogenetic location: 7q22.1.
Variant type: Deletion.
Coding change: c.27del on transcript NM_004279.3 (MANE Select); coding-DNA position 27, one base deleted (G; older notation c.27delG).
Protein change: p.Leu10fs; shifts the reading frame from leucine 10.
Molecular consequence: frameshift variant.
Genome position (GRCh38, 1-based): chr7:103,297,486, G deleted. VCF-style (leftmost placement, unchanged base first): chr7-103297485-TG-T. GRCh37 (hg19) VCF-style: chr7-102937932-TG-T.
Other names: c.27del, p.Leu10fs (NM_001438231.1); short protein forms L10fs.
Identifiers: ClinVar variation 4849566 (VCV004849566.1).